The following is an entry in ClinVar:

ClinVar aggregate classification (germline): Likely benign (0 of 4 stars; one submission).

Conditions:
ADRA2B-related disorder. Also called: ADRA2B-related condition.

Allele frequency attached by ClinVar (database versions not stated): gnomAD 0.00013; TOPMed 0.00017; ExAC 0.00031; 1000 Genomes Project 0.00060; 1000 Genomes Project 30x 0.00062.
gnomAD v4.1: 141 of 1,610,106 alleles (0.0088%); highest among the groups gnomAD compares: East Asian, 0.3%; no homozygotes.

Submission:

PreventionGenetics, part of Exact Sciences
Classification: Likely benign for ADRA2B-related condition. Last evaluated: 2019-09-23. Review status: no assertion criteria provided. Collection method: clinical testing. Allele origin: germline.
Comment: This variant is classified as likely benign based on ACMG/AMP sequence variant interpretation guidelines (Richards et al. 2015 PMID: 25741868, with internal and published modifications).

NM_000682.7(ADRA2B):c.*2C>A

Gene: ADRA2B (adrenoceptor alpha 2B; minus strand). Cytogenetic location: 2q11.2.
Variant type: single nucleotide variant.
Coding change: c.*2C>A on transcript NM_000682.7 (MANE Select); 2 bases downstream of the stop codon, C replaced by A.
Molecular consequence: 3 prime UTR variant.
Genome position (GRCh38, 1-based): chr2:96,114,795, G>T on the plus strand (C>A on the coding strand, the complement: ADRA2B is on the minus strand). VCF-style: chr2-96114795-G-T. GRCh37 (hg19) VCF-style: chr2-96780543-G-T.
Identifiers: ClinVar variation 3053525 (VCV003053525.2), dbSNP rs186085130, ClinGen allele CA1775770.